The following is an entry in ClinVar:

NM_002335.4(LRP5):c.1748A>T (p.Asp583Val)

Gene: LRP5 (LDL receptor related protein 5; plus strand). Cytogenetic location: 11q13.2.
Variant type: single nucleotide variant.
Coding change: c.1748A>T on transcript NM_002335.4 (MANE Select); coding-DNA position 1748, A replaced by T.
Protein change: p.Asp583Val; replaces aspartic acid 583 with valine.
Molecular consequence: missense variant. On other transcripts: 5 prime UTR variant (1).
Genome position (GRCh38, 1-based): chr11:68,403,646, A>T. VCF-style: chr11-68403646-A-T. GRCh37 (hg19) VCF-style: chr11-68171114-A-T.
Other names: c.-190A>T (NM_001291902.2); short protein forms D583V.
Identifiers: ClinVar variation 423854 (VCV000423854.2), dbSNP rs1064796661, ClinGen allele CA16619388.

ClinVar aggregate classification (germline): Uncertain significance (1 of 4 stars; one submission).

Submission:

GeneDx
Classification: Uncertain significance. Last evaluated: 2017-02-23. Review status: criteria provided, single submitter. Criteria: GeneDx Variant Classification (06012015). Collection method: clinical testing. Allele origin: germline. Affected: yes.
Comment: The D583V variant in the LRP5 gene has not been reported previously as a pathogenic variant, nor as a benign variant, to our knowledge. The D583V variant is not observed in large population cohorts (Lek et al., 2016; 1000 Genomes Consortium et al., 2015; Exome Variant Server). The D583V variant is a non-conservative amino acid substitution, which is likely to impact secondary protein structure as these residues differ in polarity, charge, size and/or other properties. In addition, this substitution occurs at a position that is conserved across species, and in silico analysis predicts this variant is probably damaging to the protein structure/function. We interpret D583V as a variant of uncertain significance.